The following is an entry in ClinVar:

ClinVar aggregate classification (germline): Pathogenic/Likely pathogenic. Review status: criteria provided, multiple submitters, no conflicts (2 of 4 stars). 2 submissions from 2 submitters: Pathogenic (1); Likely pathogenic (1). Last evaluated 2026-05-22.

Conditions:
Hermansky-Pudlak syndrome 3 (HPS3). Identifiers: Orphanet 231512, Orphanet 79430, MedGen C3888001, MONDO:0013555, OMIM 614072.

gnomAD v4.1: 1 of 1,613,966 alleles (0.000062%); highest among the groups gnomAD compares: South Asian, 0.0011%; no homozygotes.

Submissions (2):

Myriad Genetics, Inc.
Classification: Pathogenic for Hermansky-Pudlak syndrome 3. Last evaluated: 2026-05-22. Review status: criteria provided, single submitter. Criteria: Myriad Autosomal Dominant, Autosomal Recessive and X-Linked Classification Criteria (2023). Collection method: clinical testing. Allele origin: unknown.
Comment: NM_032383.3(HPS3):c.2182G>T(E728*) is a nonsense variant classified as pathogenic in the context of Hermansky-Pudlak syndrome, HPS3-related. E728* has not been observed in cases with relevant disease. Relevant functional assessments of this variant are not available in the literature. E728* has not been observed in referenced population frequency databases. In summary, NM_032383.3(HPS3):c.2182G>T(E728*) is a nonsense variant in a gene where loss of function is a known mechanism of disease and is predicted to disrupt protein function. Please note: this variant was assessed in the context of healthy population screening.

Baylor Genetics
Classification: Likely pathogenic for Hermansky-Pudlak syndrome 3. Last evaluated: 2022-05-25. Review status: criteria provided, single submitter. Criteria: ACMG Guidelines, 2015. Collection method: clinical testing. Allele origin: unknown.

NM_032383.5(HPS3):c.2182G>T (p.Glu728Ter)

Gene: HPS3 (HPS3 biogenesis of lysosomal organelles complex 2 subunit 1; plus strand). Cytogenetic location: 3q24.
Variant type: single nucleotide variant.
Coding change: c.2182G>T on transcript NM_032383.5 (MANE Select); coding-DNA position 2182, G replaced by T.
Protein change: p.Glu728Ter; replaces glutamic acid 728 with a stop codon.
Molecular consequence: nonsense.
Genome position (GRCh38, 1-based): chr3:149,162,223, G>T. VCF-style: chr3-149162223-G-T. GRCh37 (hg19) VCF-style: chr3-148880010-G-T.
Other names: c.1687G>T, p.Glu563Ter (NM_001308258.2); short protein forms E563*, E728*.
Identifiers: ClinVar variation 2676108 (VCV002676108.2), dbSNP rs758736477, ClinGen allele CA354923992.